The following is an entry in ClinVar:

ClinVar aggregate classification (germline): Uncertain significance. Review status: criteria provided, multiple submitters, no conflicts (2 of 4 stars). 2 submissions from 2 submitters: Uncertain significance (2). Last evaluated 2026-07-10.

Conditions:
JAG1-related disorder. Also called: JAG1-related disorders; JAG1-related condition.
Cardiovascular phenotype. Identifiers: MedGen CN230736.

Submissions (2):

PreventionGenetics, part of Exact Sciences
Classification: Uncertain significance for JAG1-related condition. Last evaluated: 2026-07-10. Review status: criteria provided, single submitter. Criteria: ACMG Guidelines, 2015. Collection method: clinical testing. Allele origin: germline.
Comment: The JAG1 c.3037C>T variant is predicted to result in the amino acid substitution p.His1013Tyr. To our knowledge, this variant has not been reported in the literature or in a large population database (gnomAD), indicating this variant is rare. At this time, the clinical significance of this variant is uncertain due to the absence of conclusive functional and genetic evidence.

Ambry Genetics
Classification: Uncertain significance for Cardiovascular phenotype. Last evaluated: 2025-09-18. Review status: criteria provided, single submitter. Criteria: Ambry Variant Classification Scheme 2023. Collection method: clinical testing. Allele origin: germline.
Comment: The p.H1013Y variant (also known as c.3037C>T), located in coding exon 24 of the JAG1 gene, results from a C to T substitution at nucleotide position 3037. The histidine at codon 1013 is replaced by tyrosine, an amino acid with similar properties. This amino acid position is conserved. In addition, this alteration is predicted to be deleterious by in silico analysis. Based on the available evidence, the clinical significance of this variant remains unclear.

NM_000214.3(JAG1):c.3037C>T (p.His1013Tyr)

Gene: JAG1 (jagged canonical Notch ligand 1; minus strand). Cytogenetic location: 20p12.2.
Variant type: single nucleotide variant.
Coding change: c.3037C>T on transcript NM_000214.3 (MANE Select); coding-DNA position 3037, C replaced by T.
Protein change: p.His1013Tyr; replaces histidine 1013 with tyrosine.
Molecular consequence: missense variant.
Genome position (GRCh38, 1-based): chr20:10,641,124, G>A on the plus strand (C>T on the coding strand, the complement: JAG1 is on the minus strand). VCF-style: chr20-10641124-G-A. GRCh37 (hg19) VCF-style: chr20-10621772-G-A.
Other names: short protein forms H1013Y.
Identifiers: ClinVar variation 4614275 (VCV004614275.2).
Genomic context (GRCh38, chr20:10,641,124, plus strand): 5'-GAACTGCCTTGCCATCGAATAATGAGGTGTGAATGGGTCTTATACTTACAATGGCCACAT[G>A]TATTTCATTGTTCGCTGAAGGGGAAGGCTCGCAAGCGATGTAGATTGAATATTCAGCGGA-3'
Protein context (NP_000205.1, residues 1003-1023): EPSPSANNEI[His1013Tyr]VAISAEDIRD